The following is an entry in ClinVar:

NM_015386.3(COG4):c.484_485inv (p.Thr162Val)

Gene: COG4 (component of oligomeric golgi complex 4; minus strand). Cytogenetic location: 16q22.1.
Variant type: Inversion.
Coding change: c.484_485inv on transcript NM_015386.3 (MANE Select).
Protein change: p.Thr162Val; replaces threonine 162 with valine.
Molecular consequence: missense variant. On other transcripts: non-coding transcript variant (1).
Genome position: GRCh38 VCF-style: chr16-70514394-GT-AC. GRCh37 (hg19) VCF-style: chr16-70548297-GT-AC.
Other names: c.472_473inv, p.Thr158Val (NM_001195139.2); c.58_59inv, p.Thr20Val (NM_001365426.1); short protein forms T20V, T158V, T162V.
Identifiers: ClinVar variation 2878526 (VCV002878526.3), ClinGen allele CA2739266880.
Genomic context (GRCh38, chr16:70,514,394, plus strand): 5'-CCCTCTTTGCCCTGTCGGCTGAGCTCAATGACCGACTTGTCCAGGCACAAGTAGCGATGA[GT>AC]ATGTGCTGCAGCCTGCTCATAATCTTCACTCCTCAAAGCAGTCTGAACTCCATCCATGCA-3'
Protein context (NP_056201.2, residues 152-172): SEDYEQAAAH[Thr162Val]HRYLCLDKSV

ClinVar aggregate classification (germline): Uncertain significance (1 of 4 stars; one submission).

Conditions:
COG4-congenital disorder of glycosylation. Also called: COG4-CDG; CONGENITAL DISORDER OF GLYCOSYLATION, TYPE IIj; CDG IIj. Identifiers: Orphanet 263501, MedGen C4303552, MONDO:0013281, OMIM 613489.

Submission:

Labcorp Genetics (formerly Invitae), Labcorp
Classification: Uncertain significance for COG4-congenital disorder of glycosylation. Last evaluated: 2023-04-11. Review status: criteria provided, single submitter. Criteria: Invitae Variant Classification Sherloc (09022015). Collection method: clinical testing. Allele origin: germline.
Comment: This variant has not been reported in the literature in individuals affected with COG4-related conditions. Information on the frequency of this variant in the gnomAD database is not available, as this variant may be reported differently in the database. This sequence change replaces threonine, which is neutral and polar, with valine, which is neutral and non-polar, at codon 162 of the COG4 protein (p.Thr162Val). An algorithm developed to predict the effect of missense changes on protein structure and function (PolyPhen-2) suggests that this variant is likely to be tolerated. In summary, the available evidence is currently insufficient to determine the role of this variant in disease. Therefore, it has been classified as a Variant of Uncertain Significance.